The following is an entry in ClinVar:

ClinVar aggregate classification (germline): Conflicting classifications of pathogenicity. Review status: criteria provided, conflicting classifications (1 of 4 stars). 5 submissions from 5 submitters: Uncertain significance (3); Likely benign (2). Last evaluated 2026-02-17.

Conditions:
SCN4A-related disorder. Also called: SCN4A-related disorders.
Hyperkalemic periodic paralysis. Also called: Gamstorp disease; Familial hyperkalemic periodic paralysis. Identifiers: Orphanet 682, MedGen C0238357, MONDO:0008224, OMIM 170500, HP:0007215.

Allele frequency attached by ClinVar (database versions not stated): gnomAD exomes 0.00004 and 0.00014; ExAC 0.00018; gnomAD 0.00043 and 0.00048; TOPMed 0.00047; ESP Exome Variant Server 0.00054.
gnomAD v4.1: 135 of 1,607,896 alleles (0.0084%); highest among the groups gnomAD compares: African/African-American, 0.13%; no homozygotes.

Submissions (5):

PreventionGenetics, part of Exact Sciences
Classification: Likely benign for SCN4A-related condition. Last evaluated: 2026-02-17. Review status: criteria provided, single submitter. Criteria: ACMG Guidelines, 2015. Collection method: clinical testing. Allele origin: germline.
Comment: This variant is classified as likely benign based on ACMG/AMP sequence variant interpretation guidelines (Richards et al. 2015 PMID: 25741868, with internal and published modifications).

Labcorp Genetics (formerly Invitae), Labcorp
Classification: Likely benign for Hyperkalemic periodic paralysis. Last evaluated: 2026-01-13. Review status: criteria provided, single submitter. Criteria: Invitae Variant Classification Sherloc (09022015). Collection method: clinical testing. Allele origin: germline.

Revvity Omics, Revvity
Classification: Uncertain significance. Last evaluated: 2025-05-16. Review status: criteria provided, single submitter. Criteria: ACMG Guidelines, 2015. Collection method: clinical testing. Allele origin: germline.

Blueprint Genetics
Classification: Uncertain significance. Last evaluated: 2024-09-17. Review status: criteria provided, single submitter. Criteria: ACMG Guidelines, 2015. Collection method: clinical testing. Allele origin: germline.

GeneDx
Classification: Uncertain significance. Last evaluated: 2024-07-16. Review status: criteria provided, single submitter. Criteria: GeneDx Variant Classification Process June 2021. Collection method: clinical testing. Allele origin: germline. Affected: yes.
Comment: In silico analysis supports that this missense variant has a deleterious effect on protein structure/function; Has not been previously published as pathogenic or benign to our knowledge

NM_000334.4(SCN4A):c.3001C>T (p.Arg1001Cys)

Genes: GH-LCR (growth hormone locus control region; plus strand), SCN4A (sodium voltage-gated channel alpha subunit 4; minus strand). Cytogenetic location: 17q23.3.
Variant type: single nucleotide variant.
Coding change: c.3001C>T on transcript NM_000334.4 (MANE Select); coding-DNA position 3001, C replaced by T.
Protein change: p.Arg1001Cys; replaces arginine 1001 with cysteine.
Molecular consequence: missense variant.
Genome position (GRCh38, 1-based): chr17:63,948,754, G>A on the plus strand (C>T on the coding strand, the complement: SCN4A is on the minus strand). VCF-style: chr17-63948754-G-A. GRCh37 (hg19) VCF-style: chr17-62026114-G-A.
Other names: short protein forms R1001C.
Identifiers: ClinVar variation 451408 (VCV000451408.21), dbSNP rs199713025, ClinGen allele CA8709419.
Genomic context (GRCh38, chr17:63,948,754, plus strand): 5'-GCAGAGTCCACCACTTCTTCCCACGGCCCTGGGAGATGTCCACGTAGAGGCAGGGCCAGC[G>A]CTGCACGCAGGCTGATGGGGTGAGGGGGGACAGGGACAGGCACCACATCATGGGCCTGGG-3'
Protein context (NP_000325.4, residues 991-1011): EECFTEACVQ[Arg1001Cys]WPCLYVDISQ